The following is an entry in ClinVar:

ClinVar aggregate classification (germline): Uncertain significance (1 of 4 stars; one submission).

Conditions:
Arrhythmogenic cardiomyopathy with wooly hair and keratoderma. Also called: Carvajal syndrome; Dilated cardiomyopathy with woolly hair and keratoderma; Arrhythmogenic cardiomyopathy with woolly hair and keratoderma; PALMOPLANTAR KERATODERMA WITH LEFT VENTRICULAR CARDIOMYOPATHY AND WOOLLY HAIR. Identifiers: Orphanet 65282, MedGen C1854063, MONDO:0011581, OMIM 605676.
Arrhythmogenic right ventricular dysplasia 8 (ARVD8). Also called: Arrhythmogenic Right Ventricular Dysplasia/Cardiomyopathy 8; ARRHYTHMOGENIC RIGHT VENTRICULAR DYSPLASIA, FAMILIAL, 8; ARRHYTHMOGENIC RIGHT VENTRICULAR CARDIOMYOPATHY 8. Identifiers: MedGen C1843896, MONDO:0011831, OMIM 607450.

Submission:

Labcorp Genetics (formerly Invitae), Labcorp
Classification: Uncertain significance for Arrhythmogenic cardiomyopathy with wooly hair and keratoderma; Arrhythmogenic right ventricular dysplasia 8. Last evaluated: 2026-01-31. Review status: criteria provided, single submitter. Criteria: Invitae Variant Classification Sherloc (09022015). Collection method: clinical testing. Allele origin: germline.
Comment: This sequence change replaces methionine, which is neutral and non-polar, with threonine, which is neutral and polar, at codon 83 of the DSP protein (p.Met83Thr). This variant is not present in population databases (gnomAD no frequency). This variant has not been reported in the literature in individuals affected with DSP-related conditions. ClinVar contains an entry for this variant (Variation ID: 1057620). An algorithm developed to predict the effect of missense changes on protein structure and function (PolyPhen-2) suggests that this variant is likely to be tolerated. In summary, the available evidence is currently insufficient to determine the role of this variant in disease. Therefore, it has been classified as a Variant of Uncertain Significance.

NM_004415.4(DSP):c.248T>C (p.Met83Thr)

Gene: DSP (desmoplakin; plus strand). Cytogenetic location: 6p24.3.
Variant type: single nucleotide variant.
Coding change: c.248T>C on transcript NM_004415.4 (MANE Select); coding-DNA position 248, T replaced by C.
Protein change: p.Met83Thr; replaces methionine 83 with threonine.
Molecular consequence: missense variant.
Genome position (GRCh38, 1-based): chr6:7,555,795, T>C. VCF-style: chr6-7555795-T-C. GRCh37 (hg19) VCF-style: chr6-7556028-T-C.
Other names: c.248T>C, p.Met83Thr (NM_001008844.3, NM_001319034.2); short protein forms M83T.
Identifiers: ClinVar variation 1057620 (VCV001057620.9), dbSNP rs2113653951, ClinGen allele CA362670844.
Genomic context (GRCh38, chr6:7,555,795, plus strand): 5'-CCAGGCACCAGAACCAGAACACCATCCAGGAGCTGCTGCAGAACTGCTCCGACTGCTTGA[T>C]GCGAGCAGAGCTCATCGTGCAGCCTGTAAGCTTTCCCTGTTCCCATCGCTTCTCCCAAAG-3'
Protein context (NP_004406.2, residues 73-93): ELLQNCSDCL[Met83Thr]RAELIVQPEL